The following is an entry in ClinVar:

ClinVar aggregate classification (germline): Uncertain significance (1 of 4 stars; one submission).

Conditions:
Spastic paraplegia. Identifiers: MedGen C0037772, HP:0001258.

Submission:

Labcorp Genetics (formerly Invitae), Labcorp
Classification: Uncertain significance for Spastic paraplegia. Last evaluated: 2025-05-03. Review status: criteria provided, single submitter. Criteria: Invitae Variant Classification Sherloc (09022015). Collection method: clinical testing. Allele origin: germline.
Comment: This sequence change replaces glutamine, which is neutral and polar, with proline, which is neutral and non-polar, at codon 205 of the GJC2 protein (p.Gln205Pro). This variant is not present in population databases (gnomAD no frequency). This variant has not been reported in the literature in individuals affected with GJC2-related conditions. Invitae Evidence Modeling of protein sequence and biophysical properties (such as structural, functional, and spatial information, amino acid conservation, physicochemical variation, residue mobility, and thermodynamic stability) has been performed for this missense variant. However, the output from this modeling did not meet the statistical confidence thresholds required to predict the impact of this variant on GJC2 protein function. In summary, the available evidence is currently insufficient to determine the role of this variant in disease. Therefore, it has been classified as a Variant of Uncertain Significance.

NM_020435.4(GJC2):c.614A>C (p.Gln205Pro)

Gene: GJC2 (gap junction protein gamma 2; plus strand). Cytogenetic location: 1q42.13.
Variant type: single nucleotide variant.
Coding change: c.614A>C on transcript NM_020435.4 (MANE Select); coding-DNA position 614, A replaced by C.
Protein change: p.Gln205Pro; replaces glutamine 205 with proline.
Molecular consequence: missense variant.
Genome position (GRCh38, 1-based): chr1:228,158,372, A>C. VCF-style: chr1-228158372-A-C. GRCh37 (hg19) VCF-style: chr1-228346073-A-C.
Other names: short protein forms Q205P.
Identifiers: ClinVar variation 4774133 (VCV004774133.1).